The following is an entry in ClinVar:

ClinVar aggregate classification (germline): Uncertain significance (1 of 4 stars; one submission).

Submission:

Labcorp Genetics (formerly Invitae), Labcorp
Classification: Uncertain significance. Last evaluated: 2021-12-14. Review status: criteria provided, single submitter. Criteria: Invitae Variant Classification Sherloc (09022015). Collection method: clinical testing. Allele origin: germline.
Comment: This variant is not present in population databases (gnomAD no frequency). This sequence change creates a premature translational stop signal (p.Val94Alafs*18) in the LRRC10 gene. While this is not anticipated to result in nonsense mediated decay, it is expected to disrupt the last 184 amino acid(s) of the LRRC10 protein. In summary, the available evidence is currently insufficient to determine the role of this variant in disease. Therefore, it has been classified as a Variant of Uncertain Significance. Experimental studies and prediction algorithms are not available or were not evaluated, and the functional significance of this variant is currently unknown. This variant has not been reported in the literature in individuals affected with LRRC10-related conditions.

NM_201550.4(LRRC10):c.281_294del (p.Val94fs)

Gene: LRRC10 (leucine rich repeat containing 10; minus strand). Cytogenetic location: 12q15.
Variant type: Deletion.
Coding change: c.281_294del on transcript NM_201550.4 (MANE Select); coding-DNA positions 281 to 294, 14 bases deleted (TGTGCACCTTGAAA).
Protein change: p.Val94fs; shifts the reading frame from valine 94.
Molecular consequence: frameshift variant.
Genome position (GRCh38, 1-based): chr12:69,610,545-69,610,558, TTTCAAGGTGCACA deleted on the plus strand (TGTGCACCTTGAAA on the coding strand, the reverse complement: LRRC10 is on the minus strand). VCF-style (leftmost placement, unchanged base first): chr12-69610544-GTTTCAAGGTGCACA-G. GRCh37 (hg19) VCF-style: chr12-70004324-GTTTCAAGGTGCACA-G.
Other names: short protein forms V94fs.
Identifiers: ClinVar variation 2187515 (VCV002187515.4), dbSNP rs2499033224, ClinGen allele CA2580086670.